The following is an entry in ClinVar:

ClinVar aggregate classification (germline): Likely benign. Review status: criteria provided, multiple submitters, no conflicts (2 of 4 stars). 3 submissions from 3 submitters: Likely benign (2). 1 of the submissions does not count toward it. Last evaluated 2024-10-25.

Conditions:
CTSB-related disorder. Also called: CTSB-related condition.

Allele frequency attached by ClinVar (database versions not stated): 1000 Genomes Project 0.00060; 1000 Genomes Project 30x 0.00078; ESP Exome Variant Server 0.00254.
gnomAD v4.1: 3,784 of 1,613,532 alleles (0.23%); highest among the groups gnomAD compares: Non-Finnish European, 0.29%; 3 homozygotes.

Submissions (3):

Labcorp Genetics (formerly Invitae), Labcorp
Classification: Likely benign. Last evaluated: 2024-10-25. Review status: criteria provided, single submitter. Criteria: Invitae Variant Classification Sherloc (09022015). Collection method: clinical testing. Allele origin: germline.

Breakthrough Genomics
Classification: Likely benign. Review status: criteria provided, single submitter. Criteria: ACMG Guidelines, 2015. Collection method: not provided. Allele origin: germline. Inheritance: Autosomal dominant inheritance. Affected: yes.

PreventionGenetics, part of Exact Sciences
Classification: Likely benign for CTSB-related condition. Last evaluated: 2020-06-25. Review status: no assertion criteria provided. Collection method: clinical testing. Allele origin: germline. Not counted in ClinVar's aggregate classification.
Comment: This variant is classified as likely benign based on ACMG/AMP sequence variant interpretation guidelines (Richards et al. 2015 PMID: 25741868, with internal and published modifications).

NM_001908.5(CTSB):c.281C>T (p.Pro94Leu)

Gene: CTSB (cathepsin B). Cytogenetic location: 8p23.1.
Variant type: single nucleotide variant.
Coding change: c.281C>T on transcript NM_001908.5 (MANE Select); coding-DNA position 281, C replaced by T.
Protein change: p.Pro94Leu; replaces proline 94 with leucine.
Molecular consequence: missense variant.
Genome position (GRCh38, 1-based): chr8:11,850,912, G>A on the plus strand (C>T on the coding strand, the complement: CTSB is on the minus strand). VCF-style: chr8-11850912-G-A. GRCh37 (hg19) VCF-style: chr8-11708421-G-A.
Other names: c.28C>T, p.Pro10Ser (NM_001317237.2); c.281C>T, p.Pro94Leu (NM_001384714.1, NM_001384723.1, NM_001384724.1 and 8 more transcripts); c.281C>T (NM_001908.4); short protein forms P10S, P94L.
Identifiers: ClinVar variation 1620131 (VCV001620131.11), dbSNP rs148117767, ClinGen allele CA4633051.